The following is an entry in ClinVar:

NM_000138.5(FBN1):c.4483A>T (p.Thr1495Ser)

Gene: FBN1 (fibrillin 1; minus strand). Cytogenetic location: 15q21.1.
Variant type: single nucleotide variant.
Coding change: c.4483A>T on transcript NM_000138.5 (MANE Select); coding-DNA position 4483, A replaced by T.
Protein change: p.Thr1495Ser; replaces threonine 1495 with serine.
Molecular consequence: missense variant.
Genome position (GRCh38, 1-based): chr15:48,468,511, T>A on the plus strand (A>T on the coding strand, the complement: FBN1 is on the minus strand). VCF-style: chr15-48468511-T-A. GRCh37 (hg19) VCF-style: chr15-48760708-T-A.
Other names: c.4483A>T, p.Thr1495Ser (NM_001406716.1); short protein forms T1495S.
Identifiers: ClinVar variation 3894179 (VCV003894179.1).

ClinVar aggregate classification (germline): Uncertain significance (1 of 4 stars; one submission).

Conditions:
Familial thoracic aortic aneurysm and aortic dissection (TAAD). Also called: Thoracic aortic aneurysms and dissections. Identifiers: Orphanet 91387, MedGen C4707243, MONDO:0019625.

Submission:

Color Diagnostics, LLC DBA Color Health
Classification: Uncertain significance for Familial thoracic aortic aneurysm and aortic dissection. Last evaluated: 2025-01-06. Review status: criteria provided, single submitter. Criteria: ACMG Guidelines, 2015. Collection method: clinical testing. Allele origin: germline.
Comment: This missense variant replaces threonine with serine at codon 1495 of the FBN1 protein. Computational prediction suggests that this variant may not impact protein structure and function (internally defined REVEL score threshold <= 0.5, PMID: 27666373). To our knowledge, functional studies have not been reported for this variant. This variant has not been reported in individuals affected with FBN1-related disorders in the literature. This variant has not been identified in the general population by the Genome Aggregation Database (gnomAD). The available evidence is insufficient to determine the role of this variant in disease conclusively. Therefore, this variant is classified as a Variant of Uncertain Significance.